The following is an entry in ClinVar:

ClinVar aggregate classification (germline): Uncertain significance (1 of 4 stars; one submission).

Allele frequency attached by ClinVar (database versions not stated): gnomAD 0.00001; gnomAD exomes 0.00001; ExAC 0.00002; TOPMed 0.00002; ESP Exome Variant Server 0.00015.
gnomAD v4.1: 24 of 1,613,700 alleles (0.0015%); highest among the groups gnomAD compares: Non-Finnish European, 0.0018%; no homozygotes.

Submission:

CeGaT Center for Human Genetics Tuebingen
Classification: Uncertain significance. Last evaluated: 2024-06-01. Review status: criteria provided, single submitter. Criteria: CeGaT Center For Human Genetics Tuebingen Variant Classification Criteria Version 2. Collection method: clinical testing. Allele origin: germline. Affected: yes. Observed: 1 variant allele.
Comment: DNAH2: PM2, BP4

NM_020877.5(DNAH2):c.3533G>C (p.Gly1178Ala)

Gene: DNAH2 (dynein axonemal heavy chain 2; plus strand). Cytogenetic location: 17p13.1.
Variant type: single nucleotide variant.
Coding change: c.3533G>C on transcript NM_020877.5 (MANE Select); coding-DNA position 3533, G replaced by C.
Protein change: p.Gly1178Ala; replaces glycine 1178 with alanine.
Molecular consequence: missense variant.
Genome position (GRCh38, 1-based): chr17:7,766,339, G>C. VCF-style: chr17-7766339-G-C. GRCh37 (hg19) VCF-style: chr17-7669657-G-C.
Other names: short protein forms G1178A.
Identifiers: ClinVar variation 3250950 (VCV003250950.18), dbSNP rs374777308.